The following is an entry in ClinVar:

ClinVar aggregate classification (germline): Uncertain significance (1 of 4 stars; one submission).

Submission:

GeneDx
Classification: Uncertain significance. Last evaluated: 2022-09-20. Review status: criteria provided, single submitter. Criteria: GeneDx Variant Classification Process June 2021. Collection method: clinical testing. Allele origin: germline. Affected: yes.
Comment: Not observed at significant frequency in large population cohorts (gnomAD); In silico analysis supports that this missense variant does not alter protein structure/function; Has not been previously published as pathogenic or benign to our knowledge

NM_080552.3(SLC32A1):c.1435C>A (p.Arg479Ser)

Gene: SLC32A1 (solute carrier family 32 member 1; plus strand). Cytogenetic location: 20q11.23.
Variant type: single nucleotide variant.
Coding change: c.1435C>A on transcript NM_080552.3 (MANE Select); coding-DNA position 1435, C replaced by A.
Protein change: p.Arg479Ser; replaces arginine 479 with serine.
Molecular consequence: missense variant.
Genome position (GRCh38, 1-based): chr20:38,728,496, C>A. VCF-style: chr20-38728496-C-A. GRCh37 (hg19) VCF-style: chr20-37357139-C-A.
Other names: short protein forms R479S.
Identifiers: ClinVar variation 2446539 (VCV002446539.1), dbSNP rs1193079299, ClinGen allele CA408907497.